The following is an entry in ClinVar:

NM_001145809.2(MYH14):c.2522A>T (p.Asp841Val)

Gene: MYH14 (myosin heavy chain 14; plus strand). Cytogenetic location: 19q13.33.
Variant type: single nucleotide variant.
Coding change: c.2522A>T on transcript NM_001145809.2 (MANE Select); coding-DNA position 2522, A replaced by T.
Protein change: p.Asp841Val; replaces aspartic acid 841 with valine.
Molecular consequence: missense variant.
Genome position (GRCh38, 1-based): chr19:50,261,572, A>T. VCF-style: chr19-50261572-A-T. GRCh37 (hg19) VCF-style: chr19-50764829-A-T.
Other names: c.2423A>T, p.Asp808Val (NM_001077186.2); c.2399A>T, p.Asp800Val (NM_024729.4); short protein forms D800V, D808V, D841V.
Identifiers: ClinVar variation 3621165 (VCV003621165.2).

ClinVar aggregate classification (germline): Uncertain significance (1 of 4 stars; one submission).

gnomAD v4.1: 2 of 1,602,394 alleles (0.00012%); highest among the groups gnomAD compares: Non-Finnish European, 0.00017%; no homozygotes.

Submission:

Labcorp Genetics (formerly Invitae), Labcorp
Classification: Uncertain significance. Last evaluated: 2024-04-30. Review status: criteria provided, single submitter. Criteria: Invitae Variant Classification Sherloc (09022015). Collection method: clinical testing. Allele origin: germline.
Comment: This sequence change replaces aspartic acid, which is acidic and polar, with valine, which is neutral and non-polar, at codon 800 of the MYH14 protein (p.Asp800Val). The frequency data for this variant in the population databases is considered unreliable, as metrics indicate poor data quality at this position in the gnomAD database. This variant has not been reported in the literature in individuals affected with MYH14-related conditions. Advanced modeling of protein sequence and biophysical properties (such as structural, functional, and spatial information, amino acid conservation, physicochemical variation, residue mobility, and thermodynamic stability) performed at Invitae indicates that this missense variant is expected to disrupt MYH14 protein function with a positive predictive value of 80%. In summary, the available evidence is currently insufficient to determine the role of this variant in disease. Therefore, it has been classified as a Variant of Uncertain Significance.